The following is an entry in ClinVar:

NM_002691.4(POLD1):c.59G>C (p.Gly20Ala)

Gene: POLD1 (DNA polymerase delta 1, catalytic subunit; plus strand). Cytogenetic location: 19q13.33.
Variant type: single nucleotide variant.
Coding change: c.59G>C on transcript NM_002691.4 (MANE Select); coding-DNA position 59, G replaced by C.
Protein change: p.Gly20Ala; replaces glycine 20 with alanine.
Molecular consequence: missense variant. On other transcripts: non-coding transcript variant (1).
Genome position (GRCh38, 1-based): chr19:50,398,910, G>C. VCF-style: chr19-50398910-G-C. GRCh37 (hg19) VCF-style: chr19-50902167-G-C.
Other names: c.59G>C, p.Gly20Ala (NM_001256849.1, NM_001308632.1); short protein forms G20A.
Identifiers: ClinVar variation 654641 (VCV000654641.13), dbSNP rs778329225, ClinGen allele CA406970057.

ClinVar aggregate classification (germline): Conflicting classifications of pathogenicity. Review status: criteria provided, conflicting classifications (1 of 4 stars). 3 submissions from 3 submitters: Uncertain significance (2); Likely benign (1). Last evaluated 2025-11-10.

Conditions:
POLD1-related polyposis and colorectal cancer syndrome (CRCS10). Also called: Colorectal cancer, susceptibility to, 10; Colorectal cancer 10; COLORECTAL CANCER, SUSCEPTIBILITY TO, ON CHROMOSOME 19q. Identifiers: Orphanet 220460, MedGen C2675481, MONDO:0012953, OMIM 612591.
Hereditary cancer-predisposing syndrome. Also called: Hereditary neoplastic syndrome; Tumor predisposition; Hereditary Cancer Syndrome; Neoplastic Syndromes, Hereditary. Identifiers: Orphanet 140162, MedGen C0027672, MeSH D009386, MONDO:0015356.

gnomAD v4.1: 1 of 1,599,048 alleles (0.000063%); no homozygotes.

Submissions (3):

Labcorp Genetics (formerly Invitae), Labcorp
Classification: Uncertain significance for POLD1-related polyposis and colorectal cancer syndrome. Last evaluated: 2025-11-10. Review status: criteria provided, single submitter. Criteria: Invitae Variant Classification Sherloc (09022015). Collection method: clinical testing. Allele origin: germline.
Comment: This sequence change replaces glycine, which is neutral and non-polar, with alanine, which is neutral and non-polar, at codon 20 of the POLD1 protein (p.Gly20Ala). This variant is not present in population databases (gnomAD no frequency). This variant has not been reported in the literature in individuals affected with POLD1-related conditions. ClinVar contains an entry for this variant (Variation ID: 654641). Experimental studies and prediction algorithms are not available or were not evaluated, and the functional significance of this variant is currently unknown. In summary, the available evidence is currently insufficient to determine the role of this variant in disease. Therefore, it has been classified as a Variant of Uncertain Significance.

Ambry Genetics
Classification: Likely benign for Hereditary cancer-predisposing syndrome. Last evaluated: 2025-02-18. Review status: criteria provided, single submitter. Criteria: Ambry Variant Classification Scheme 2023. Collection method: clinical testing. Allele origin: germline.

GeneDx
Classification: Uncertain significance. Last evaluated: 2022-08-03. Review status: criteria provided, single submitter. Criteria: GeneDx Variant Classification Process June 2021. Collection method: clinical testing. Allele origin: germline. Affected: yes.
Comment: Not observed at significant frequency in large population cohorts (gnomAD); In silico analysis supports that this missense variant does not alter protein structure/function; Has not been previously published as pathogenic or benign to our knowledge